The following is an entry in ClinVar:

NM_001887.4(CRYBB1):c.697C>T (p.Arg233Cys)

Genes: CRYBA4 (crystallin beta A4; plus strand), CRYBB1 (crystallin beta B1; minus strand). Cytogenetic location: 22q12.1.
Variant type: single nucleotide variant.
Coding change: c.697C>T on transcript NM_001887.4 (MANE Select); coding-DNA position 697, C replaced by T.
Protein change: p.Arg233Cys; replaces arginine 233 with cysteine.
Molecular consequence: missense variant.
Genome position (GRCh38, 1-based): chr22:26,599,552, G>A on the plus strand (C>T on the coding strand, the complement: CRYBB1 is on the minus strand). VCF-style: chr22-26599552-G-A. GRCh37 (hg19) VCF-style: chr22-26995516-G-A.
Other names: c.697C>T (NM_001887.3); short protein forms R233C.
Identifiers: ClinVar variation 1899847 (VCV001899847.6), dbSNP rs372169881, ClinGen allele CA10165365.

ClinVar aggregate classification (germline): Uncertain significance. Review status: criteria provided, multiple submitters, no conflicts (2 of 4 stars). 2 submissions from 2 submitters: Uncertain significance (2). Last evaluated 2023-07-26.

Conditions:
CRYBB1-related disorder. Also called: CRYBB1-related condition.
Cataract 17 multiple types. Also called: CATARACT 17, PULVERULENT; CATARACT 17, CONGENITAL NUCLEAR, AUTOSOMAL RECESSIVE. Identifiers: Orphanet 91492, MedGen C3888124, MONDO:0012688, OMIM 611544.

Allele frequency attached by ClinVar (database versions not stated): TOPMed 0.00001; ExAC 0.00002; gnomAD 0.00003; ESP Exome Variant Server 0.00008.
gnomAD v4.1: 21 of 1,614,014 alleles (0.0013%); highest among the groups gnomAD compares: South Asian, 0.0033%; no homozygotes.

Submissions (2):

PreventionGenetics, part of Exact Sciences
Classification: Uncertain significance for CRYBB1-related condition. Last evaluated: 2023-07-26. Review status: criteria provided, single submitter. Criteria: ACMG Guidelines, 2015. Collection method: clinical testing. Allele origin: germline.
Comment: The CRYBB1 c.697C>T variant is predicted to result in the amino acid substitution p.Arg233Cys. To our knowledge, this variant has not been reported in the literature. This variant is reported in 0.0033% of alleles in individuals of South Asian descent in gnomAD. A different nucleotide substitution affecting the same amino acid (p.Arg233His) was reported in the heterozygous state to segregate with congenital cataract in a family (Wang et al. 2011. PubMed ID: 21402992). At this time, the clinical significance of the c.697C>T (p.Arg233Cys) variant is uncertain due to the absence of conclusive functional and genetic evidence.

Labcorp Genetics (formerly Invitae), Labcorp
Classification: Uncertain significance for Cataract 17 multiple types. Last evaluated: 2022-09-24. Review status: criteria provided, single submitter. Criteria: Invitae Variant Classification Sherloc (09022015). Collection method: clinical testing. Allele origin: germline.
Comment: This sequence change replaces arginine, which is basic and polar, with cysteine, which is neutral and slightly polar, at codon 233 of the CRYBB1 protein (p.Arg233Cys). This variant is present in population databases (rs372169881, gnomAD 0.003%). This variant has not been reported in the literature in individuals affected with CRYBB1-related conditions. Advanced modeling of protein sequence and biophysical properties (such as structural, functional, and spatial information, amino acid conservation, physicochemical variation, residue mobility, and thermodynamic stability) performed at Invitae indicates that this missense variant is expected to disrupt CRYBB1 protein function. In summary, the available evidence is currently insufficient to determine the role of this variant in disease. Therefore, it has been classified as a Variant of Uncertain Significance.